The following is an entry in ClinVar:

NM_002332.3(LRP1):c.1597_1598del (p.Gly533fs)

Gene: LRP1 (LDL receptor related protein 1; plus strand). Cytogenetic location: 12q13.3.
Variant type: Deletion.
Coding change: c.1597_1598del on transcript NM_002332.3 (MANE Select); coding-DNA positions 1597 to 1598, 2 bases deleted (GG; older notation c.1597_1598delGG).
Protein change: p.Gly533fs; shifts the reading frame from glycine 533.
Molecular consequence: frameshift variant.
Genome position (GRCh38, 1-based): chr12:57,158,437-57,158,438, GG deleted; deleting any 2 consecutive bases within chr12:57,158,436-57,158,438 gives the same sequence; the c. name uses the placement nearest the transcript's 3' end. VCF-style (leftmost placement, unchanged base first): chr12-57158435-AGG-A. GRCh37 (hg19) VCF-style: chr12-57552218-AGG-A.
Other names: short protein forms G533fs.
Identifiers: ClinVar variation 4976665 (VCV004976665.1).
Genomic context (GRCh38, chr12:57,158,435, plus strand): 5'-CTGTACCCTGGCTTGTGCCTGCTCTAGAGCCGGAGCATGAGCTGTTCCTCGTGTATGGCA[AGG>A]GCCGGCCAGGCATCATCCGGGGCATGGATATGGGGGCCAAGGTCCCGGATGAGCACATGA-3'

ClinVar aggregate classification (germline): Uncertain significance (1 of 4 stars; one submission).

Submission:

GeneDx
Classification: Uncertain significance. Last evaluated: 2023-12-09. Review status: criteria provided, single submitter. Criteria: GeneDx Variant Classification Process June 2021. Collection method: clinical testing. Allele origin: germline.
Comment: Not observed at significant frequency in large population cohorts (gnomAD); Frameshift variant predicted to result in protein truncation or nonsense mediated decay in a gene or region of a gene for which loss of function is not a well-established mechanism of disease; Has not been previously published as pathogenic or benign to our knowledge; Variants in candidate genes are classified as variants of uncertain significance in accordance with ACMG guidelines (PMID: 25741868)